The following is an entry in ClinVar:

ClinVar aggregate classification (germline): Uncertain significance (1 of 4 stars; one submission).

gnomAD v4.1: 14 of 1,614,034 alleles (0.00087%); highest among the groups gnomAD compares: Non-Finnish European, 0.00076%; no homozygotes.

Submission:

Labcorp Genetics (formerly Invitae), Labcorp
Classification: Uncertain significance. Last evaluated: 2024-09-25. Review status: criteria provided, single submitter. Criteria: Invitae Variant Classification Sherloc (09022015). Collection method: clinical testing. Allele origin: germline.
Comment: This sequence change replaces histidine, which is basic and polar, with arginine, which is basic and polar, at codon 817 of the ARID1B protein (p.His817Arg). This variant is present in population databases (rs779733858, gnomAD 0.02%). This variant has not been reported in the literature in individuals affected with ARID1B-related conditions. Invitae Evidence Modeling of protein sequence and biophysical properties (such as structural, functional, and spatial information, amino acid conservation, physicochemical variation, residue mobility, and thermodynamic stability) has been performed for this missense variant. However, the output from this modeling did not meet the statistical confidence thresholds required to predict the impact of this variant on ARID1B protein function. In summary, the available evidence is currently insufficient to determine the role of this variant in disease. Therefore, it has been classified as a Variant of Uncertain Significance.

NM_001374828.1(ARID1B):c.2660A>G (p.His887Arg)

Gene: ARID1B (AT-rich interaction domain 1B; plus strand). Cytogenetic location: 6q25.3.
Variant type: single nucleotide variant.
Coding change: c.2660A>G on transcript NM_001374828.1 (MANE Select); coding-DNA position 2660, A replaced by G.
Protein change: p.His887Arg; replaces histidine 887 with arginine.
Molecular consequence: missense variant.
Genome position (GRCh38, 1-based): chr6:157,133,106, A>G. VCF-style: chr6-157133106-A-G. GRCh37 (hg19) VCF-style: chr6-157454240-A-G.
Other names: c.161A>G, p.His54Arg (NM_001363725.2); c.2699A>G, p.His900Arg (NM_001371656.1, NM_001374820.1); c.2660A>G, p.His887Arg (NM_017519.3); short protein forms H900R, H54R, H887R.
Identifiers: ClinVar variation 3719677 (VCV003719677.2).
Genomic context (GRCh38, chr6:157,133,106, plus strand): 5'-AAAGAAACCCTCAGATGGCTCAGTATGGACCTCAACAGACAGGACCATCCATGTCGCCTC[A>G]TCCTTCTCCTGGGGGCCAGATGCATGCTGGAATCAGTAGCTTTCAGCAGAGTAACTCAAG-3'
Protein context (NP_001361757.1, residues 877-897): PQQTGPSMSP[His887Arg]PSPGGQMHAG